The following is an entry in ClinVar:

NM_001972.4(ELANE):c.458C>A (p.Ala153Asp)

Gene: ELANE (elastase, neutrophil expressed; plus strand). Cytogenetic location: 19p13.3.
Variant type: single nucleotide variant.
Coding change: c.458C>A on transcript NM_001972.4 (MANE Select); coding-DNA position 458, C replaced by A.
Protein change: p.Ala153Asp; replaces alanine 153 with aspartic acid.
Molecular consequence: missense variant.
Genome position (GRCh38, 1-based): chr19:855,655, C>A. VCF-style: chr19-855655-C-A. GRCh37 (hg19) VCF-style: chr19-855655-C-A.
Other names: short protein forms A153D.
Identifiers: ClinVar variation 2431362 (VCV002431362.1), dbSNP rs2512168318, ClinGen allele CA402918149.

ClinVar aggregate classification (germline): Likely pathogenic (1 of 4 stars; one submission).

Conditions:
Cyclical neutropenia. Also called: Cyclic Neutropenia; Cyclic hematopoiesis. Identifiers: Orphanet 2686, MedGen C0221023, MONDO:0008090, OMIM 162800, HP:0040289. Disease mechanism: loss of function.

Submission:

Laboratorio de Genetica e Diagnostico Molecular, Hospital Israelita Albert Einstein
Classification: Likely pathogenic for Cyclical neutropenia. Last evaluated: 2022-05-27. Review status: criteria provided, single submitter. Criteria: ACMG Guidelines, 2015. Collection method: clinical testing. Allele origin: germline. Affected: yes. Observed: 1 variant allele.
Comment: ACMG classification criteria: PS4 moderated, PM2 moderated, PP3 supporting, PP4